The following is an entry in ClinVar:

NM_007294.4(BRCA1):c.140_141insT (p.Met48fs)

Gene: BRCA1 (BRCA1 DNA repair associated; minus strand). Cytogenetic location: 17q21.31.
Variant type: Insertion.
Coding change: c.140_141insT on transcript NM_007294.4 (MANE Select); coding-DNA positions 140 to 141, T inserted.
Protein change: p.Met48fs; shifts the reading frame from methionine 48.
Molecular consequence: frameshift variant. On other transcripts: 5 prime UTR variant (1), non-coding transcript variant (1).
Genome position: GRCh38 VCF-style: chr17-43106527-G-GA. GRCh37 (hg19) VCF-style: chr17-41258544-G-GA.
Other names: 0259insT-ter65; c.-49_-48insT (NM_001407889.1, NM_001407894.1, NM_001407895.1 and 58 more transcripts); c.140_141insT, p.Met48Hisfs (NM_001407919.1, NM_001407937.1, NM_001407938.1 and 166 more transcripts); c.-2_-1insT (NM_001407920.1, NM_001407921.1, NM_001407922.1 and 99 more transcripts); c.140_141insT, p.Met48fs (NM_007299.4, NM_007300.4); short protein forms M48fs.
Identifiers: ClinVar variation 266165 (VCV000266165.6), dbSNP rs886039950, ClinGen allele CA10590036.

ClinVar aggregate classification (germline): Pathogenic. Review status: reviewed by expert panel (3 of 4 stars). 2 submissions from 2 submitters: Pathogenic (1). 1 of the submissions does not count toward it. Last evaluated 2016-10-18.

Conditions:
Breast-ovarian cancer, familial, susceptibility to, 1 (BROVCA1). Also called: BRCA1 Hereditary Breast and Ovarian Cancer; OVARIAN CANCER, SUSCEPTIBILITY TO. Identifiers: Orphanet 145, MedGen C2676676, MONDO:0011450, OMIM 604370. Disease mechanism: loss of function.

Submissions (2):

Evidence-based Network for the Interpretation of Germline Mutant Alleles (ENIGMA)
Classification: Pathogenic for Breast-ovarian cancer, familial, susceptibility to, 1. Last evaluated: 2016-10-18. Review status: reviewed by expert panel. Criteria: ENIGMA BRCA1/2 Classification Criteria (2015). Collection method: curation. Allele origin: germline.
Comment: Variant allele predicted to encode a truncated non-functional protein.

Consortium of Investigators of Modifiers of BRCA1/2 (CIMBA), c/o University of Cambridge
Classification: Pathogenic for Breast-ovarian cancer, familial, susceptibility to, 1. Last evaluated: 2015-10-02. Review status: criteria provided, single submitter. Criteria: CIMBA Mutation Classification guidelines May 2016. Collection method: clinical testing. Allele origin: germline. Not counted in ClinVar's aggregate classification.